The following is an entry in ClinVar:

ClinVar aggregate classification (germline): Benign. Review status: criteria provided, multiple submitters, no conflicts (2 of 4 stars). 4 submissions from 4 submitters: Benign (4). Last evaluated 2026-01-26.

Conditions:
Sterile multifocal osteomyelitis with periostitis and pustulosis. Also called: CHRONIC RECURRENT MULTIFOCAL OSTEOMYELITIS 2, WITH PERIOSTITIS AND PUSTULOSIS. Identifiers: Orphanet 210115, MedGen C2748507, MONDO:0013021, OMIM 612852.
Autoinflammatory syndrome. Identifiers: Orphanet 93665, MedGen C3890737, MONDO:0019751.

Allele frequency attached by ClinVar (database versions not stated): gnomAD exomes 0.17451; gnomAD 0.17798 and 0.17968; TOPMed 0.17870; 1000 Genomes Project 30x 0.24922; 1000 Genomes Project 0.25459.
gnomAD v4.1: 88,654 of 504,864 alleles (18%); highest among the groups gnomAD compares: East Asian, 62%; 11,325 homozygotes.

Submissions (4):

Labcorp Genetics (formerly Invitae), Labcorp
Classification: Benign for Sterile multifocal osteomyelitis with periostitis and pustulosis. Last evaluated: 2026-01-26. Review status: criteria provided, single submitter. Criteria: Invitae Variant Classification Sherloc (09022015). Collection method: clinical testing. Allele origin: germline.

GeneDx
Classification: Benign. Last evaluated: 2018-11-12. Review status: criteria provided, single submitter. Criteria: GeneDx Variant Classification Process June 2021. Collection method: clinical testing. Allele origin: germline. Affected: yes.
Comment: This variant is associated with the following publications: (PMID: 23462747, 27884173)

Genome Diagnostics Laboratory, The Hospital for Sick Children
Classification: Benign for Autoinflammatory syndrome. Last evaluated: 2016-12-12. Review status: criteria provided, single submitter. Criteria: ACMG Guidelines, 2015. Collection method: clinical testing. Allele origin: germline. Affected: yes.

Breakthrough Genomics
Classification: Benign. Review status: criteria provided, single submitter. Criteria: ACMG Guidelines, 2015. Collection method: not provided. Allele origin: germline. Inheritance: Autosomal recessive inheritance. Affected: yes.

NM_173842.3(IL1RN):c.205+242C>T

Gene: IL1RN (interleukin 1 receptor antagonist; plus strand). Cytogenetic location: 2q14.1.
Variant type: single nucleotide variant.
Coding change: c.205+242C>T on transcript NM_173842.3 (MANE Select); 242 bases into the intron after coding-DNA position 205, C replaced by T.
Molecular consequence: intron variant.
Genome position (GRCh38, 1-based): chr2:113,129,906, C>T. VCF-style: chr2-113129906-C-T. GRCh37 (hg19) VCF-style: chr2-113887483-C-T.
Other names: c.103+242C>T (NM_001318914.2, NM_173843.3, NM_001379360.1); c.214+242C>T (NM_173841.3); c.151+242C>T (NM_000577.5).
Identifiers: ClinVar variation 537717 (VCV000537717.16), dbSNP rs2071459, ClinGen allele CA15187025.